The following is an entry in ClinVar:

NM_002292.4(LAMB2):c.1891-4C>A

Gene: LAMB2 (laminin subunit beta 2; minus strand). Cytogenetic location: 3p21.31.
Variant type: single nucleotide variant.
Coding change: c.1891-4C>A on transcript NM_002292.4 (MANE Select); 4 bases into the intron before coding-DNA position 1891, C replaced by A.
Molecular consequence: intron variant.
Genome position (GRCh38, 1-based): chr3:49,128,589, G>T on the plus strand (C>A on the coding strand, the complement: LAMB2 is on the minus strand). VCF-style: chr3-49128589-G-T. GRCh37 (hg19) VCF-style: chr3-49166022-G-T.
Identifiers: ClinVar variation 3029144 (VCV003029144.2), dbSNP rs1355803552, ClinGen allele CA2740094404.
Genomic context (GRCh38, chr3:49,128,589, plus strand): 5'-AGGCACAGGCCCTGGACGCTGCACAATCAGTTCCAACTCTGCCCATTGCTCAGGGACCTG[G>T]GAAAACGGGATGATGGAGGAGATGCTCCCACACCCAGAGGTTCAGCCCCAGATTAGATAA-3'

ClinVar aggregate classification (germline): Likely benign (0 of 4 stars; one submission).

Conditions:
LAMB2-related disorder. Also called: LAMB2-related condition.

Submission:

PreventionGenetics, part of Exact Sciences
Classification: Likely benign for LAMB2-related condition. Last evaluated: 2021-05-21. Review status: no assertion criteria provided. Collection method: clinical testing. Allele origin: germline.
Comment: This variant is classified as likely benign based on ACMG/AMP sequence variant interpretation guidelines (Richards et al. 2015 PMID: 25741868, with internal and published modifications).